The following is an entry in ClinVar:

NM_001256317.3(TMPRSS3):c.953-5A>G

Gene: TMPRSS3 (transmembrane serine protease 3; minus strand). Cytogenetic location: 21q22.3.
Variant type: single nucleotide variant.
Coding change: c.953-5A>G on transcript NM_001256317.3 (MANE Select); 5 bases into the intron before coding-DNA position 953, A replaced by G.
Molecular consequence: intron variant.
Genome position (GRCh38, 1-based): chr21:42,380,217, T>C on the plus strand (A>G on the coding strand, the complement: TMPRSS3 is on the minus strand). VCF-style: chr21-42380217-T-C. GRCh37 (hg19) VCF-style: chr21-43800326-T-C.
Other names: c.953-5A>G (NM_024022.4); c.572-5A>G (NM_032404.3).
Identifiers: ClinVar variation 2736994 (VCV002736994.3), dbSNP rs2517107846, ClinGen allele CA2577612294.

ClinVar aggregate classification (germline): Pathogenic (1 of 4 stars; one submission).

Allele frequency attached by ClinVar (database versions not stated): gnomAD exomes below 0.00001.
gnomAD v4.1: 2 of 1,611,208 alleles (0.00012%); highest among the groups gnomAD compares: Non-Finnish European, 0.000085%; no homozygotes.

Submission:

Labcorp Genetics (formerly Invitae), Labcorp
Classification: Pathogenic. Last evaluated: 2022-12-16. Review status: criteria provided, single submitter. Criteria: Invitae Variant Classification Sherloc (09022015). Collection method: clinical testing. Allele origin: germline.
Comment: This sequence change falls in intron 9 of the TMPRSS3 gene. It does not directly change the encoded amino acid sequence of the TMPRSS3 protein. This variant is not present in population databases (gnomAD no frequency). This variant has been observed in individuals with TMPRSS3-related conditions (PMID: 28566687). Algorithms developed to predict the effect of sequence changes on RNA splicing suggest that this variant may disrupt the consensus splice site. For these reasons, this variant has been classified as Pathogenic.

Literature cited by the submitters: PubMed 28566687.